The following is an entry in ClinVar:

NM_144997.7(FLCN):c.277C>T (p.Pro93Ser)

Gene: FLCN (folliculin; minus strand). Cytogenetic location: 17p11.2.
Variant type: single nucleotide variant.
Coding change: c.277C>T on transcript NM_144997.7 (MANE Select); coding-DNA position 277, C replaced by T.
Protein change: p.Pro93Ser; replaces proline 93 with serine.
Molecular consequence: missense variant.
Genome position (GRCh38, 1-based): chr17:17,226,295, G>A on the plus strand (C>T on the coding strand, the complement: FLCN is on the minus strand). VCF-style: chr17-17226295-G-A. GRCh37 (hg19) VCF-style: chr17-17129609-G-A.
Other names: c.277C>T (NM_144997.5); c.277C>T, p.Pro93Ser (NM_001353229.2, NM_001353230.2, NM_001353231.2 and 1 more transcripts); short protein forms P93S.
Identifiers: ClinVar variation 1450842 (VCV001450842.10), dbSNP rs1211934116, ClinGen allele CA398534945.

ClinVar aggregate classification (germline): Uncertain significance. Review status: criteria provided, multiple submitters, no conflicts (2 of 4 stars). 2 submissions from 2 submitters: Uncertain significance (2). Last evaluated 2023-08-28.

Conditions:
Hereditary cancer-predisposing syndrome. Also called: Tumor predisposition; Hereditary neoplastic syndrome; Hereditary Cancer Syndrome; Neoplastic Syndromes, Hereditary. Identifiers: Orphanet 140162, MedGen C0027672, MeSH D009386, MONDO:0015356.
Birt-Hogg-Dube syndrome. Also called: Birt Hogg Dubé syndrome. Identifiers: Orphanet 122, MedGen C0346010, MONDO:0800444.

Allele frequency attached by ClinVar (database versions not stated): gnomAD exomes below 0.00001.

Submissions (2):

Ambry Genetics
Classification: Uncertain significance for Hereditary cancer-predisposing syndrome. Last evaluated: 2023-08-28. Review status: criteria provided, single submitter. Criteria: Ambry Variant Classification Scheme 2023. Collection method: clinical testing. Allele origin: germline.
Comment: The p.P93S variant (also known as c.277C>T), located in coding exon 2 of the FLCN gene, results from a C to T substitution at nucleotide position 277. The proline at codon 93 is replaced by serine, an amino acid with similar properties. This amino acid position is highly conserved in available vertebrate species. In addition, this alteration is predicted to be deleterious by in silico analysis. Since supporting evidence is limited at this time, the clinical significance of this alteration remains unclear.

Labcorp Genetics (formerly Invitae), Labcorp
Classification: Uncertain significance for Birt-Hogg-Dube syndrome. Last evaluated: 2022-05-31. Review status: criteria provided, single submitter. Criteria: Invitae Variant Classification Sherloc (09022015). Collection method: clinical testing. Allele origin: germline.
Comment: This sequence change replaces proline, which is neutral and non-polar, with serine, which is neutral and polar, at codon 93 of the FLCN protein (p.Pro93Ser). This variant is present in population databases (no rsID available, gnomAD 0.0009%). This variant has not been reported in the literature in individuals affected with FLCN-related conditions. ClinVar contains an entry for this variant (Variation ID: 1450842). Algorithms developed to predict the effect of missense changes on protein structure and function (SIFT, PolyPhen-2, Align-GVGD) all suggest that this variant is likely to be tolerated. In summary, the available evidence is currently insufficient to determine the role of this variant in disease. Therefore, it has been classified as a Variant of Uncertain Significance.